The following is an entry in ClinVar:

ClinVar aggregate classification (germline): Uncertain significance (1 of 4 stars; one submission).

Conditions:
Adenylosuccinate lyase deficiency (ADSLD). Also called: ADSL DEFICIENCY. Identifiers: Orphanet 46, MedGen C0268126, MONDO:0007068, OMIM 103050.

Submission:

Labcorp Genetics (formerly Invitae), Labcorp
Classification: Uncertain significance for Adenylosuccinate lyase deficiency. Last evaluated: 2022-08-16. Review status: criteria provided, single submitter. Criteria: Invitae Variant Classification Sherloc (09022015). Collection method: clinical testing. Allele origin: germline.
Comment: This variant occurs in a non-coding region of the ADSL gene. It does not change the encoded amino acid sequence of the ADSL protein. This variant is not present in population databases (gnomAD no frequency). This variant has not been reported in the literature in individuals affected with ADSL-related conditions. Experimental studies and prediction algorithms are not available or were not evaluated, and the functional significance of this variant is currently unknown. In summary, the available evidence is currently insufficient to determine the role of this variant in disease. Therefore, it has been classified as a Variant of Uncertain Significance.

NC_000022.11:g.40345590G>A

Gene: ADSL (adenylosuccinate lyase; plus strand). Cytogenetic location: 22q13.1.
Variant type: single nucleotide variant.
Genome position: GRCh38 VCF-style: chr22-40345590-G-A. GRCh37 (hg19) VCF-style: chr22-40741594-G-A.
Identifiers: ClinVar variation 1381154 (VCV001381154.3), dbSNP rs897965743, ClinGen allele CA1025766942.